The following is an entry in ClinVar:

ClinVar aggregate classification (germline): Benign. Review status: criteria provided, multiple submitters, no conflicts (2 of 4 stars). 12 submissions from 12 submitters: Benign (7). 5 of the submissions do not count toward it. Last evaluated 2025-08-13.

Conditions:
Becker muscular dystrophy (BMD). Also called: MUSCULAR DYSTROPHY, PSEUDOHYPERTROPHIC PROGRESSIVE, BECKER TYPE; Becker Muscular Dystrophy (BMD). Identifiers: Orphanet 98895, MedGen C0917713, MONDO:0010311, OMIM 300376.
Duchenne muscular dystrophy (DMD). Also called: Duchenne Muscular Dystrophy (DMD); MUSCULAR DYSTROPHY, PSEUDOHYPERTROPHIC PROGRESSIVE, DUCHENNE TYPE. Identifiers: Orphanet 98896, MedGen C0013264, MONDO:0010679, OMIM 310200.
Cardiomyopathy (CMYO). Also called: Cardiomyopathies. Identifiers: Orphanet 167848, MedGen C0878544, MONDO:0004994, HP:0001638. Inheritance: Various modes of inheritance.
Dystrophin deficiency.

Allele frequency attached by ClinVar (database versions not stated): ESP Exome Variant Server 0.00740; 1000 Genomes Project 0.00848; 1000 Genomes Project 30x 0.00895; TOPMed 0.01373; gnomAD 0.01460 and 0.01505; gnomAD exomes 0.01641 and 0.02077; ExAC 0.02122.
gnomAD v4.1: 23,636 of 1,179,420 alleles (2%); highest among the groups gnomAD compares: Non-Finnish European, 2.3%; 205 homozygotes.

Submissions (12):

Labcorp Genetics (formerly Invitae), Labcorp
Classification: Benign for Duchenne muscular dystrophy. Last evaluated: 2025-08-13. Review status: criteria provided, single submitter. Criteria: Invitae Variant Classification Sherloc (09022015). Collection method: clinical testing. Allele origin: germline.

ARUP Laboratories, Molecular Genetics and Genomics, ARUP Laboratories
Classification: Benign. Last evaluated: 2025-03-28. Review status: criteria provided, single submitter. Criteria: ARUP Molecular Germline Variant Investigation Process 2024. Collection method: clinical testing. Allele origin: germline.

Blueprint Genetics
Classification: Benign. Last evaluated: 2024-11-26. Review status: criteria provided, single submitter. Criteria: ACMG Guidelines, 2015. Collection method: clinical testing. Allele origin: germline.

Women's Health and Genetics/Laboratory Corporation of America, LabCorp
Classification: Benign. Last evaluated: 2024-06-17. Review status: criteria provided, single submitter. Criteria: LabCorp Variant Classification Summary - May 2015. Collection method: clinical testing. Allele origin: germline.

Eurofins Ntd Llc (ga)
Classification: Benign. Last evaluated: 2014-05-09. Review status: criteria provided, single submitter. Criteria: EGL Classification Definitions 2015. Collection method: clinical testing. Allele origin: germline. Observed: 13 variant alleles, 5 heterozygotes, 1 homozygote, 8 hemizygotes.

GeneDx
Classification: Benign. Last evaluated: 2014-03-06. Review status: criteria provided, single submitter. Criteria: GeneDx Variant Classification (06012015). Collection method: clinical testing. Allele origin: germline. Affected: yes.
Comment: This variant is considered likely benign or benign based on one or more of the following criteria: it is a conservative change, it occurs at a poorly conserved position in the protein, it is predicted to be benign by multiple in silico algorithms, and/or has population frequency not consistent with disease.

Breakthrough Genomics
Classification: Benign. Review status: criteria provided, single submitter. Criteria: ACMG Guidelines, 2015. Collection method: not provided. Allele origin: germline. Inheritance: X-linked inheritance. Affected: yes.

Natera, Inc.
Classification: Benign for Becker muscular dystrophy; Cardiomyopathy; Duchenne muscular dystrophy; Dystrophin deficiency. Last evaluated: 2018-04-24. Review status: no assertion criteria provided. Collection method: clinical testing. Allele origin: germline. Not counted in ClinVar's aggregate classification.

Clinical Genetics, Academic Medical Center
Classification: Benign. Review status: no assertion criteria provided. Collection method: clinical testing. Allele origin: germline. Affected: yes. Study: VKGL Data-share Consensus. Not counted in ClinVar's aggregate classification.

Diagnostic Laboratory, Department of Genetics, University Medical Center Groningen
Classification: Likely benign. Review status: no assertion criteria provided. Collection method: clinical testing. Allele origin: germline. Affected: yes. Study: VKGL Data-share Consensus. Not counted in ClinVar's aggregate classification.

Genome Diagnostics Laboratory, University Medical Center Utrecht
Classification: Benign. Review status: no assertion criteria provided. Collection method: clinical testing. Allele origin: germline. Affected: yes. Study: VKGL Data-share Consensus. Not counted in ClinVar's aggregate classification.

Laboratory of Diagnostic Genome Analysis, Leiden University Medical Center (LUMC)
Classification: Benign. Review status: no assertion criteria provided. Collection method: clinical testing. Allele origin: germline. Affected: yes. Study: VKGL Data-share Consensus. Not counted in ClinVar's aggregate classification.

NM_004006.3(DMD):c.832-18C>G

Gene: DMD (dystrophin; minus strand). Cytogenetic location: Xp21.1.
Variant type: single nucleotide variant.
Coding change: c.832-18C>G on transcript NM_004006.3 (MANE Select); 18 bases into the intron before coding-DNA position 832, C replaced by G.
Molecular consequence: intron variant.
Genome position (GRCh38, 1-based): chrX:32,698,016, G>C on the plus strand (C>G on the coding strand, the complement: DMD is on the minus strand). VCF-style: chrX-32698016-G-C. GRCh37 (hg19) VCF-style: chrX-32716133-G-C.
Other names: c.808-18C>G (NM_000109.4); c.820-18C>G (NM_004009.3); c.463-18C>G (NM_004010.3).
Identifiers: ClinVar variation 94800 (VCV000094800.30), dbSNP rs72470515, ClinGen allele CA285612.